The following is an entry in ClinVar:

NM_001042432.2(CLN3):c.400T>C (p.Cys134Arg)

Gene: CLN3 (CLN3 lysosomal/endosomal transmembrane protein, battenin; minus strand). Cytogenetic location: 16p12.1.
Variant type: single nucleotide variant.
Coding change: c.400T>C on transcript NM_001042432.2 (MANE Select); coding-DNA position 400, T replaced by C.
Protein change: p.Cys134Arg; replaces cysteine 134 with arginine.
Molecular consequence: missense variant.
Genome position (GRCh38, 1-based): chr16:28,487,516, A>G on the plus strand (T>C on the coding strand, the complement: CLN3 is on the minus strand). VCF-style: chr16-28487516-A-G. GRCh37 (hg19) VCF-style: chr16-28498837-A-G.
Other names: c.400T>C, p.Cys134Arg (NM_000086.2); c.328T>C, p.Cys110Arg (NM_001286104.2); c.100T>C, p.Cys34Arg (NM_001286105.2); c.166T>C, p.Cys56Arg (NM_001286109.2); c.238T>C, p.Cys80Arg (NM_001286110.2); short protein forms C134R, C110R, C34R, C56R, C80R.
Identifiers: ClinVar variation 56268 (VCV000056268.3), dbSNP rs386833719, ClinGen allele CA263668.

ClinVar aggregate classification (germline): Uncertain significance. Review status: criteria provided, single submitter (1 of 4 stars). 2 submissions from 2 submitters: Uncertain significance (1). 1 of the submissions does not count toward it. Last evaluated 2019-12-11.

Conditions:
Neuronal ceroid lipofuscinosis. Also called: Neuronal Ceroid Lipofuscinoses. Identifiers: Orphanet 216, Orphanet 79263, MedGen C0027877, MONDO:0016295. Disease mechanism: loss of function.
Neuronal ceroid lipofuscinosis 3 (CLN3). Identifiers: Orphanet 228346, MedGen C0751383, MONDO:0008767, OMIM 204200.

Submissions (2):

Labcorp Genetics (formerly Invitae), Labcorp
Classification: Uncertain significance for Neuronal ceroid lipofuscinosis. Last evaluated: 2019-12-11. Review status: criteria provided, single submitter. Criteria: Invitae Variant Classification Sherloc (09022015). Collection method: clinical testing. Allele origin: germline.
Comment: This sequence change replaces cysteine with arginine at codon 134 of the CLN3 protein (p.Cys134Arg). The cysteine residue is weakly conserved and there is a large physicochemical difference between cysteine and arginine. This variant is not present in population databases (ExAC no frequency). This variant has been observed in individual(s) with juvenile neuronal ceroid lipofuscinoses (PMID:21990111). ClinVar contains an entry for this variant (Variation ID: 56268). Algorithms developed to predict the effect of missense changes on protein structure and function are either unavailable or do not agree on the potential impact of this missense change (SIFT: "Tolerated"; PolyPhen-2: "Possibly Damaging"; Align-GVGD: "Class C0"). In summary, the available evidence is currently insufficient to determine the role of this variant in disease. Therefore, it has been classified as a Variant of Uncertain Significance.

Juha Muilu Group; Institute for Molecular Medicine Finland (FIMM)
Classification: Likely pathogenic for Juvenile neuronal ceroid lipofuscinosis. Review status: no assertion criteria provided. Collection method: not provided. Allele origin: unknown. Not counted in ClinVar's aggregate classification.
Comment: FinDis database variant: This variant was not found or characterized by our laboratory, data were collected from public sources: see reference
ClinVar note: Converted during submission from probable-pathogenic to Likely pathogenic.

Literature cited by the submitters: PubMed 21990111 (cited by Labcorp Genetics (formerly Invitae), Labcorp).